The following is an entry in ClinVar:

ClinVar aggregate classification (germline): Likely pathogenic (1 of 4 stars; one submission).

Conditions:
Anemia, nonspherocytic hemolytic, due to G6PD deficiency (CNSHA1). Also called: Hemolytic anemia due to G6PD deficiency; ANEMIA, CONGENITAL, NONSPHEROCYTIC HEMOLYTIC, 1; Class I glucose-6-phosphate dehydrogenase deficiency; Favism, susceptibility to. Identifiers: Orphanet 466026, MedGen C2720289, MONDO:0010480, OMIM 300908.

Submission:

Dunham Lab, University of Washington
Classification: Likely pathogenic for Anemia, nonspherocytic hemolytic, due to G6PD deficiency. Last evaluated: 2022-08-12. Review status: criteria provided, single submitter. Criteria: Bayesian ACMG Guidelines, 2018. Collection method: curation. Allele origin: unknown. Affected: yes.
Comment: Decreased activity in red blood cells (11-33%) (PS3). Neither variantion found in gnomAD (PM2). Post_P 0.949 (odds of pathogenicity 168.4, Prior_P 0.1).

Literature cited by the submitters: PubMed 20085579.

NM_001360016.2(G6PD):c.[769C>A;770G>T]

Variant type: Haplotype.
Identifiers: ClinVar variation 1722757 (VCV001722757.2).